The following is an entry in ClinVar:

ClinVar aggregate classification (germline): Uncertain significance. Review status: criteria provided, multiple submitters, no conflicts (2 of 4 stars). 2 submissions from 2 submitters: Uncertain significance (2). Last evaluated 2026-06-25.

Conditions:
Cardiovascular phenotype. Identifiers: MedGen CN230736.
Brugada syndrome. Also called: Sudden unexpected nocturnal death syndrome; Sudden Unexplained Death Syndrome; Sudden Unexplained Nocturnal Death Syndrome (SUNDS); Sudden unexplained nocturnal death syndrome. Identifiers: Orphanet 130, MedGen C1142166, MONDO:0015263.

gnomAD v4.1: 2 of 1,577,558 alleles (0.00013%); highest among the groups gnomAD compares: Non-Finnish European, 0.000086%; no homozygotes.

Submissions (2):

Ambry Genetics
Classification: Uncertain significance for Cardiovascular phenotype. Last evaluated: 2026-06-25. Review status: criteria provided, single submitter. Criteria: Ambry Variant Classification Scheme 2023. Collection method: clinical testing. Allele origin: germline.
Comment: The p.V880A variant (also known as c.2639T>C), located in coding exon 15 of the SCN10A gene, results from a T to C substitution at nucleotide position 2639. The valine at codon 880 is replaced by alanine, an amino acid with similar properties. This amino acid position is conserved. In addition, this alteration is predicted to be deleterious by in silico analysis. Based on the available evidence, the clinical significance of this variant remains unclear.

Labcorp Genetics (formerly Invitae), Labcorp
Classification: Uncertain significance for Brugada syndrome. Last evaluated: 2025-10-29. Review status: criteria provided, single submitter. Criteria: Invitae Variant Classification Sherloc (09022015). Collection method: clinical testing. Allele origin: germline.
Comment: This sequence change replaces valine, which is neutral and non-polar, with alanine, which is neutral and non-polar, at codon 880 of the SCN10A protein (p.Val880Ala). This variant is not present in population databases (gnomAD no frequency). This variant has not been reported in the literature in individuals affected with SCN10A-related conditions. An algorithm developed to predict the effect of missense changes on protein structure and function (PolyPhen-2) suggests that this variant is likely to be disruptive. In summary, the available evidence is currently insufficient to determine the role of this variant in disease. Therefore, it has been classified as a Variant of Uncertain Significance.

NM_006514.4(SCN10A):c.2639T>C (p.Val880Ala)

Gene: SCN10A (sodium voltage-gated channel alpha subunit 10; minus strand). Cytogenetic location: 3p22.2.
Variant type: single nucleotide variant.
Coding change: c.2639T>C on transcript NM_006514.4 (MANE Select); coding-DNA position 2639, T replaced by C.
Protein change: p.Val880Ala; replaces valine 880 with alanine.
Molecular consequence: missense variant.
Genome position (GRCh38, 1-based): chr3:38,728,543, A>G on the plus strand (T>C on the coding strand, the complement: SCN10A is on the minus strand). VCF-style: chr3-38728543-A-G. GRCh37 (hg19) VCF-style: chr3-38770034-A-G.
Other names: c.2639T>C, p.Val880Ala (NM_001293306.2); c.2345T>C, p.Val782Ala (NM_001293307.2); c.2639T>C (NM_006514.2); short protein forms V880A, V782A.
Identifiers: ClinVar variation 4709578 (VCV004709578.2).
Genomic context (GRCh38, chr3:38,728,543, plus strand): 5'-ACCCAGAAGCCTTCTCCTTTCCCCAGGAGACAGTGCCCCCAGCAGGGTTCACCACTCACC[A>G]CCAGGTTCCCTAGCACCATCACCGTCAAGAAAAGGATGAGGCATATGGATTTTTGGCCAA-3'
Protein context (NP_006505.4, residues 870-890): FLTVMVLGNL[Val880Ala]VLNLFIALLL